The following is an entry in ClinVar:

NM_000384.3(APOB):c.3184A>G (p.Ser1062Gly)

Gene: APOB (apolipoprotein B; minus strand). Cytogenetic location: 2p24.1.
Variant type: single nucleotide variant.
Coding change: c.3184A>G on transcript NM_000384.3 (MANE Select); coding-DNA position 3184, A replaced by G.
Protein change: p.Ser1062Gly; replaces serine 1062 with glycine.
Molecular consequence: missense variant.
Genome position (GRCh38, 1-based): chr2:21,016,587, T>C on the plus strand (A>G on the coding strand, the complement: APOB is on the minus strand). VCF-style: chr2-21016587-T-C. GRCh37 (hg19) VCF-style: chr2-21239459-T-C.
Other names: short protein forms S1062G.
Identifiers: ClinVar variation 5027488 (VCV005027488.1), dbSNP rs1663470263.

ClinVar aggregate classification (germline): Uncertain significance (1 of 4 stars; one submission).

Conditions:
Cardiovascular phenotype. Identifiers: MedGen CN230736.

Submission:

Ambry Genetics
Classification: Uncertain significance for Cardiovascular phenotype. Last evaluated: 2026-07-06. Review status: criteria provided, single submitter. Criteria: Ambry Variant Classification Scheme 2023. Collection method: clinical testing. Allele origin: germline.
Comment: The p.S1062G variant (also known as c.3184A>G), located in coding exon 21 of the APOB gene, results from an A to G substitution at nucleotide position 3184. The serine at codon 1062 is replaced by glycine, an amino acid with similar properties. This amino acid position is conserved. In addition, this alteration is predicted to be tolerated by in silico analysis. Based on the available evidence, the clinical significance of this variant remains unclear.